The following is an entry in ClinVar:

NM_000552.5(VWF):c.7814G>C (p.Cys2605Ser)

Gene: VWF (von Willebrand factor; minus strand). Cytogenetic location: 12p13.31.
Variant type: single nucleotide variant.
Coding change: c.7814G>C on transcript NM_000552.5 (MANE Select); coding-DNA position 7814, G replaced by C.
Protein change: p.Cys2605Ser; replaces cysteine 2605 with serine.
Molecular consequence: missense variant.
Genome position (GRCh38, 1-based): chr12:5,967,559, C>G on the plus strand (G>C on the coding strand, the complement: VWF is on the minus strand). VCF-style: chr12-5967559-C-G. GRCh37 (hg19) VCF-style: chr12-6076725-C-G.
Other names: short protein forms C2605S.
Identifiers: ClinVar variation 4992571 (VCV004992571.1).
Genomic context (GRCh38, chr12:5,967,559, plus strand): 5'-TTGCAGGTGGTCTTCCTGCACTCCAGCTTGAATCCAGAGATGACCCCCACCTGCACCATG[C>G]AGCGGCAGGTCGTGCACACATCGATCATCACAGTCTTCCCGGGCTGGAAGCAGAGGCACC-3'
Protein context (NP_000543.3, residues 2595-2615): VMIDVCTTCR[Cys2605Ser]MVQVGVISGF

ClinVar aggregate classification (germline): Uncertain significance (1 of 4 stars; one submission).

Conditions:
VWF-related disorder. Also called: VWF-related condition; VWF-related disorders.

Submission:

PreventionGenetics, part of Exact Sciences
Classification: Uncertain significance for VWF-related condition. Last evaluated: 2025-09-04. Review status: criteria provided, single submitter. Criteria: ACMG Guidelines, 2015. Collection method: clinical testing. Allele origin: germline.
Comment: The VWF c.7814G>C variant is predicted to result in the amino acid substitution p.Cys2605Ser. To our knowledge, this variant has not been reported in the literature or in a large population database (gnomAD), indicating this variant is rare. At this time, the clinical significance of this variant is uncertain due to the absence of conclusive functional and genetic evidence.